The following is an entry in ClinVar:

ClinVar aggregate classification (germline): Likely benign (1 of 4 stars; one submission).

Allele frequency attached by ClinVar (database versions not stated): gnomAD 0.00001; TOPMed 0.00002; ExAC 0.00005; gnomAD exomes 0.00008.
gnomAD v4.1: 90 of 1,208,465 alleles (0.0074%); highest among the groups gnomAD compares: Non-Finnish European, 0.0095%; no homozygotes.

Submission:

CeGaT Center for Human Genetics Tuebingen
Classification: Likely benign. Last evaluated: 2022-08-01. Review status: criteria provided, single submitter. Criteria: CeGaT Center For Human Genetics Tuebingen Variant Classification Criteria Version 2. Collection method: clinical testing. Allele origin: germline. Affected: yes. Observed: 1 variant allele.
Comment: ADGRG4: BP4, BP7

NM_153834.4(ADGRG4):c.3495G>A (p.Thr1165=)

Gene: ADGRG4 (adhesion G protein-coupled receptor G4; plus strand). Cytogenetic location: Xq26.3.
Variant type: single nucleotide variant.
Coding change: c.3495G>A on transcript NM_153834.4 (MANE Select); coding-DNA position 3495, G replaced by A.
Protein change: p.Thr1165=; no amino-acid change (threonine 1165 retained).
Molecular consequence: synonymous variant.
Genome position (GRCh38, 1-based): chrX:136,347,201, G>A. VCF-style: chrX-136347201-G-A. GRCh37 (hg19) VCF-style: chrX-135429360-G-A.
Identifiers: ClinVar variation 2661512 (VCV002661512.24), dbSNP rs763923949, ClinGen allele CA10526330.